The following is an entry in ClinVar:

NM_001376.5(DYNC1H1):c.3515A>T (p.Tyr1172Phe)

Gene: DYNC1H1 (dynein cytoplasmic 1 heavy chain 1; plus strand). Cytogenetic location: 14q32.31.
Variant type: single nucleotide variant.
Coding change: c.3515A>T on transcript NM_001376.5 (MANE Select); coding-DNA position 3515, A replaced by T.
Protein change: p.Tyr1172Phe; replaces tyrosine 1172 with phenylalanine.
Molecular consequence: missense variant.
Genome position (GRCh38, 1-based): chr14:101,995,251, A>T. VCF-style: chr14-101995251-A-T. GRCh37 (hg19) VCF-style: chr14-102461588-A-T.
Other names: short protein forms Y1172F.
Identifiers: ClinVar variation 2633449 (VCV002633449.4), dbSNP rs775012149, ClinGen allele CA391035359.

ClinVar aggregate classification (germline): Uncertain significance. Review status: criteria provided, multiple submitters, no conflicts (2 of 4 stars). 2 submissions from 2 submitters: Uncertain significance (2). Last evaluated 2023-12-14.

Conditions:
DYNC1H1-related disorder. Also called: DYNC1H1-related condition; DYNC1H1-related disorders. Identifiers: MedGen CN381529.
Charcot-Marie-Tooth disease axonal type 2O. Also called: CHARCOT-MARIE-TOOTH NEUROPATHY, AXONAL, TYPE 2O; CHARCOT-MARIE-TOOTH DISEASE, AXONAL, AUTOSOMAL DOMINANT, TYPE 2O; Charcot-Marie-Tooth Neuropathy Type 2O; Charcot-Marie-Tooth disease, axonal, type 20. Identifiers: Orphanet 284232, MedGen C3280220, MONDO:0013644, OMIM 614228.

Submissions (2):

Labcorp Genetics (formerly Invitae), Labcorp
Classification: Uncertain significance for Charcot-Marie-Tooth disease axonal type 2O. Last evaluated: 2023-12-14. Review status: criteria provided, single submitter. Criteria: Invitae Variant Classification Sherloc (09022015). Collection method: clinical testing. Allele origin: germline.
Comment: This sequence change replaces tyrosine, which is neutral and polar, with phenylalanine, which is neutral and non-polar, at codon 1172 of the DYNC1H1 protein (p.Tyr1172Phe). This variant is not present in population databases (gnomAD no frequency). This variant has not been reported in the literature in individuals affected with DYNC1H1-related conditions. Advanced modeling of protein sequence and biophysical properties (such as structural, functional, and spatial information, amino acid conservation, physicochemical variation, residue mobility, and thermodynamic stability) performed at Invitae indicates that this missense variant is not expected to disrupt DYNC1H1 protein function with a negative predictive value of 95%. In summary, the available evidence is currently insufficient to determine the role of this variant in disease. Therefore, it has been classified as a Variant of Uncertain Significance.

PreventionGenetics, part of Exact Sciences
Classification: Uncertain significance for DYNC1H1-related condition. Last evaluated: 2023-03-01. Review status: criteria provided, single submitter. Criteria: ACMG Guidelines, 2015. Collection method: clinical testing. Allele origin: germline.
Comment: The DYNC1H1 c.3515A>T variant is predicted to result in the amino acid substitution p.Tyr1172Phe. To our knowledge, this variant has not been reported in the literature or in a large population database, indicating this variant is rare. At this time, the clinical significance of this variant is uncertain due to the absence of conclusive functional and genetic evidence.